The following is an entry in ClinVar:

ClinVar aggregate classification (germline): Benign. Review status: criteria provided, multiple submitters, no conflicts (2 of 4 stars). 3 submissions from 3 submitters: Benign (2). 1 of the submissions does not count toward it. Last evaluated 2019-12-31.

Conditions:
RECQL5-related disorder. Also called: RECQL5-related condition.

Allele frequency attached by ClinVar (database versions not stated): gnomAD exomes 0.00176; ExAC 0.00207; ESP Exome Variant Server 0.00609; 1000 Genomes Project 0.00639; gnomAD 0.00735 and 0.00791; 1000 Genomes Project 30x 0.00781; TOPMed 0.00836.

Submissions (3):

Labcorp Genetics (formerly Invitae), Labcorp
Classification: Benign. Last evaluated: 2019-12-31. Review status: criteria provided, single submitter. Criteria: Invitae Variant Classification Sherloc (09022015). Collection method: clinical testing. Allele origin: germline.

Breakthrough Genomics
Classification: Benign. Review status: criteria provided, single submitter. Criteria: ACMG Guidelines, 2015. Collection method: not provided. Allele origin: germline. Inheritance: Unknown mechanism. Affected: yes.

PreventionGenetics, part of Exact Sciences
Classification: Benign for RECQL5-related condition. Last evaluated: 2019-11-25. Review status: no assertion criteria provided. Collection method: clinical testing. Allele origin: germline. Not counted in ClinVar's aggregate classification.
Comment: This variant is classified as benign based on ACMG/AMP sequence variant interpretation guidelines (Richards et al. 2015 PMID: 25741868, with internal and published modifications).

NM_004259.7(RECQL5):c.2293G>A (p.Ala765Thr)

Gene: RECQL5 (RecQ like helicase 5; minus strand). Cytogenetic location: 17q25.1.
Variant type: single nucleotide variant.
Coding change: c.2293G>A on transcript NM_004259.7 (MANE Select); coding-DNA position 2293, G replaced by A.
Protein change: p.Ala765Thr; replaces alanine 765 with threonine.
Molecular consequence: missense variant.
Genome position (GRCh38, 1-based): chr17:75,629,130, C>T on the plus strand (G>A on the coding strand, the complement: RECQL5 is on the minus strand). VCF-style: chr17-75629130-C-T. GRCh37 (hg19) VCF-style: chr17-73625210-C-T.
Other names: short protein forms A765T.
Identifiers: ClinVar variation 708597 (VCV000708597.7), dbSNP rs114003047, ClinGen allele CA8767112.